The following is an entry in ClinVar:

ClinVar aggregate classification (germline): Likely benign. Review status: criteria provided, multiple submitters, no conflicts (2 of 4 stars). 2 submissions from 2 submitters: Likely benign (2). Last evaluated 2018-06-16.

Allele frequency attached by ClinVar (database versions not stated): gnomAD exomes 0.00143; gnomAD 0.01439 and 0.01535; 1000 Genomes Project 0.01637; TOPMed 0.01651; 1000 Genomes Project 30x 0.01780.
gnomAD v4.1: 3,901 of 1,299,402 alleles (0.3%); highest among the groups gnomAD compares: African/African-American, 5.1%; 93 homozygotes.

Submissions (2):

GeneDx
Classification: Likely benign. Last evaluated: 2018-06-16. Review status: criteria provided, single submitter. Criteria: GeneDx Variant Classification (06012015). Collection method: clinical testing. Allele origin: germline. Affected: yes.
Comment: This variant is considered likely benign or benign based on one or more of the following criteria: it is a conservative change, it occurs at a poorly conserved position in the protein, it is predicted to be benign by multiple in silico algorithms, and/or has population frequency not consistent with disease.

Breakthrough Genomics
Classification: Likely benign. Review status: criteria provided, single submitter. Criteria: ACMG Guidelines, 2015. Collection method: not provided. Allele origin: germline. Inheritance: Autosomal recessive inheritance. Affected: yes.

NM_001267550.2(TTN):c.99289+89G>C

Genes: TTN (titin; minus strand), TTN-AS1 (TTN antisense RNA 1; plus strand). Cytogenetic location: 2q31.2.
Variant type: single nucleotide variant.
Coding change: c.99289+89G>C on transcript NM_001267550.2 (MANE Select); 89 bases into the intron after coding-DNA position 99289, G replaced by C.
Molecular consequence: intron variant.
Genome position (GRCh38, 1-based): chr2:178,538,451, C>G on the plus strand (G>C on the coding strand, the complement: TTN is on the minus strand). VCF-style: chr2-178538451-C-G. GRCh37 (hg19) VCF-style: chr2-179403178-C-G.
Other names: c.72094+89G>C (NM_003319.4); c.72670+89G>C (NM_133437.4); c.72469+89G>C (NM_133432.3); c.91585+89G>C (NM_133378.4); c.94366+89G>C (NM_001256850.1).
Identifiers: ClinVar variation 673002 (VCV000673002.2), dbSNP rs79501403, ClinGen allele CA60963678.